The following is an entry in ClinVar:

NM_004082.5(DCTN1):c.1086G>T (p.Gln362His)

Gene: DCTN1 (dynactin subunit 1; minus strand). Cytogenetic location: 2p13.1.
Variant type: single nucleotide variant.
Coding change: c.1086G>T on transcript NM_004082.5 (MANE Select); coding-DNA position 1086, G replaced by T.
Protein change: p.Gln362His; replaces glutamine 362 with histidine.
Molecular consequence: missense variant. On other transcripts: non-coding transcript variant (1).
Genome position (GRCh38, 1-based): chr2:74,370,507, C>A on the plus strand (G>T on the coding strand, the complement: DCTN1 is on the minus strand). VCF-style: chr2-74370507-C-A. GRCh37 (hg19) VCF-style: chr2-74597634-C-A.
Other names: c.1026G>T, p.Gln342His (NM_001135040.3); c.684G>T, p.Gln228His (NM_001135041.3, NM_023019.4); c.975G>T, p.Gln325His (NM_001190836.2); c.1065G>T, p.Gln355His (NM_001190837.2); c.1035G>T, p.Gln345His (NM_001378991.1); c.1017G>T, p.Gln339His (NM_001378992.1); short protein forms Q325H, Q345H, Q339H, Q342H, Q228H, Q355H, Q362H.
Identifiers: ClinVar variation 2951960 (VCV002951960.3), dbSNP rs2529158120, ClinGen allele CA347363247.

ClinVar aggregate classification (germline): Uncertain significance (1 of 4 stars; one submission).

Conditions:
Amyotrophic lateral sclerosis type 1 (ALS1). Also called: AMYOTROPHIC LATERAL SCLEROSIS 1, FAMILIAL. Identifiers: Orphanet 803, MedGen C1862939, MONDO:0007103, OMIM 105400.
Neuronopathy, distal hereditary motor, type 7B. Also called: Distal Hereditary Motor Neuronopathy Type 7B (dHMN7B); HMN VIIB; NEURONOPATHY, DISTAL HEREDITARY MOTOR, AUTOSOMAL DOMINANT 14; NEURONOPATHY, DISTAL HEREDITARY MOTOR, HARDING TYPE VIIB; NEUROPATHY, DISTAL HEREDITARY MOTOR, HARDING TYPE VIIB; NEUROPATHY, DISTAL HEREDITARY MOTOR, WITH VOCAL CORD PARALYSIS, HARDING TYPE VIIB. Identifiers: Orphanet 139589, MedGen C1843315, MONDO:0011879, OMIM 607641.
Perry syndrome. Also called: PARKINSONISM WITH ALVEOLAR HYPOVENTILATION AND MENTAL DEPRESSION. Identifiers: Orphanet 178509, MedGen C1868594, MONDO:0008201, OMIM 168605.

Submission:

Labcorp Genetics (formerly Invitae), Labcorp
Classification: Uncertain significance for Amyotrophic lateral sclerosis type 1; Neuronopathy, distal hereditary motor, type 7B; Perry syndrome. Last evaluated: 2023-09-15. Review status: criteria provided, single submitter. Criteria: Invitae Variant Classification Sherloc (09022015). Collection method: clinical testing. Allele origin: germline.
Comment: This sequence change replaces glutamine, which is neutral and polar, with histidine, which is basic and polar, at codon 362 of the DCTN1 protein (p.Gln362His). This variant is not present in population databases (gnomAD no frequency). This variant has not been reported in the literature in individuals affected with DCTN1-related conditions. Advanced modeling of protein sequence and biophysical properties (such as structural, functional, and spatial information, amino acid conservation, physicochemical variation, residue mobility, and thermodynamic stability) performed at Invitae indicates that this missense variant is expected to disrupt DCTN1 protein function. In summary, the available evidence is currently insufficient to determine the role of this variant in disease. Therefore, it has been classified as a Variant of Uncertain Significance.